The following is an entry in ClinVar:

NM_030653.4(DDX11):c.633G>A (p.Ala211=)

Gene: DDX11 (DEAD/H-box helicase 11; plus strand). Cytogenetic location: 12p11.21.
Variant type: single nucleotide variant.
Coding change: c.633G>A on transcript NM_030653.4 (MANE Select); coding-DNA position 633, G replaced by A.
Protein change: p.Ala211=; no amino-acid change (alanine 211 retained).
Molecular consequence: synonymous variant. On other transcripts: 5 prime UTR variant (3), non-coding transcript variant (4).
Genome position (GRCh38, 1-based): chr12:31,085,121, G>A. VCF-style: chr12-31085121-G-A. GRCh37 (hg19) VCF-style: chr12-31238055-G-A.
Other names: c.105G>A, p.Ala35= (NM_001413702.1, NM_001413703.1); c.-428G>A (NM_001413704.1, NM_001413705.1); c.-246G>A (NM_001413706.1); c.633G>A, p.Ala211= (NM_004399.3, NM_152438.2, NM_001257144.2 and 5 more transcripts); c.555G>A, p.Ala185= (NM_001257145.2, NM_001413697.1, NM_001413698.1 and 1 more transcripts); c.546G>A, p.Ala182= (NM_001413700.1).
Identifiers: ClinVar variation 2642816 (VCV002642816.24), dbSNP rs1236986232, ClinGen allele CA479115165.

ClinVar aggregate classification (germline): Likely benign (1 of 4 stars; one submission).

Allele frequency attached by ClinVar (database versions not stated): gnomAD 0.00001.
gnomAD v4.1: 17 of 1,560,860 alleles (0.0011%); highest among the groups gnomAD compares: Admixed American, 0.0038%; no homozygotes.

Submission:

CeGaT Center for Human Genetics Tuebingen
Classification: Likely benign. Last evaluated: 2022-08-01. Review status: criteria provided, single submitter. Criteria: CeGaT Center For Human Genetics Tuebingen Variant Classification Criteria Version 2. Collection method: clinical testing. Allele origin: germline. Affected: yes. Observed: 1 variant allele.
Comment: DDX11: BP4, BP7